The following is an entry in ClinVar:

ClinVar aggregate classification (germline): Uncertain significance (1 of 4 stars; one submission).

Conditions:
Deficiency of butyryl-CoA dehydrogenase (ACADSD). Also called: SCADH DEFICIENCY; SCAD DEFICIENCY, MILD; ACYL-CoA DEHYDROGENASE, SHORT-CHAIN, DEFICIENCY OF; ACADS DEFICIENCY; Short-Chain Acyl-CoA Dehydrogenase Deficiency; SCAD Deficiency. Identifiers: Orphanet 26792, MedGen C0342783, MONDO:0008722, OMIM 201470. Disease mechanism: May be benign.

Allele frequency attached by ClinVar (database versions not stated): gnomAD exomes below 0.00001; ExAC 0.00001; gnomAD 0.00001; TOPMed 0.00001.

Submission:

Labcorp Genetics (formerly Invitae), Labcorp
Classification: Uncertain significance for Deficiency of butyryl-CoA dehydrogenase. Last evaluated: 2016-10-25. Review status: criteria provided, single submitter. Criteria: Invitae Variant Classification Sherloc (09022015). Collection method: clinical testing. Allele origin: germline.
Comment: Algorithms developed to predict the effect of missense changes on protein structure and function (SIFT, PolyPhen-2, Align-GVGD) all suggest that this variant is likely to be disruptive, but these predictions have not been confirmed by published functional studies. In summary, this variant is a rare missense change with uncertain impact on protein function. It has been classified as a Variant of Uncertain Significance. This variant is present in population databases (rs772531600, ExAC 0.01%) but has not been reported in the literature in individuals with a ACADS-related disease. A different VUS change affecting the same codon, c.820G>A (p.Gly274Ser) has been reported in an individual affected with SCAD deficiency (PMID: 18523805). This sequence change replaces glycine with aspartic acid at codon 274 of the ACADS protein (p.Gly274Asp). The glycine residue is highly conserved and there is a moderate physicochemical difference between glycine and aspartic acid.

Literature cited by the submitters: PubMed 18523805.

NM_000017.4(ACADS):c.821G>A (p.Gly274Asp)

Gene: ACADS (acyl-CoA dehydrogenase short chain; plus strand). Cytogenetic location: 12q24.31.
Variant type: single nucleotide variant.
Coding change: c.821G>A on transcript NM_000017.4 (MANE Select); coding-DNA position 821, G replaced by A.
Protein change: p.Gly274Asp; replaces glycine 274 with aspartic acid.
Molecular consequence: missense variant.
Genome position (GRCh38, 1-based): chr12:120,738,558, G>A. VCF-style: chr12-120738558-G-A. GRCh37 (hg19) VCF-style: chr12-121176361-G-A.
Other names: c.809G>A, p.Gly270Asp (NM_001302554.2); short protein forms G274D, G270D.
Identifiers: ClinVar variation 460389 (VCV000460389.8), dbSNP rs772531600, ClinGen allele CA6831086.